The following is an entry in ClinVar:

ClinVar aggregate classification (germline): Uncertain significance (1 of 4 stars; one submission).

Allele frequency attached by ClinVar (database versions not stated): gnomAD 0.00001.

Submission:

Labcorp Genetics (formerly Invitae), Labcorp
Classification: Uncertain significance. Last evaluated: 2022-07-19. Review status: criteria provided, single submitter. Criteria: Invitae Variant Classification Sherloc (09022015). Collection method: clinical testing. Allele origin: germline.
Comment: In summary, the available evidence is currently insufficient to determine the role of this variant in disease. Therefore, it has been classified as a Variant of Uncertain Significance. Algorithms developed to predict the effect of missense changes on protein structure and function are either unavailable or do not agree on the potential impact of this missense change (SIFT: "Deleterious"; PolyPhen-2: "Possibly Damaging"; Align-GVGD: "Class C0"). This variant has not been reported in the literature in individuals affected with MPDZ-related conditions. This variant is present in population databases (no rsID available, gnomAD 0.01%). This sequence change replaces leucine, which is neutral and non-polar, with phenylalanine, which is neutral and non-polar, at codon 1708 of the MPDZ protein (p.Leu1708Phe).

NM_001378778.1(MPDZ):c.5122C>T (p.Leu1708Phe)

Gene: MPDZ (multiple PDZ domain crumbs cell polarity complex component; minus strand). Cytogenetic location: 9p23.
Variant type: single nucleotide variant.
Coding change: c.5122C>T on transcript NM_001378778.1 (MANE Select); coding-DNA position 5122, C replaced by T.
Protein change: p.Leu1708Phe; replaces leucine 1708 with phenylalanine.
Molecular consequence: missense variant.
Genome position (GRCh38, 1-based): chr9:13,121,848, G>A on the plus strand (C>T on the coding strand, the complement: MPDZ is on the minus strand). VCF-style: chr9-13121848-G-A. GRCh37 (hg19) VCF-style: chr9-13121847-G-A.
Other names: c.5023C>T, p.Leu1675Phe (NM_001375417.1, NM_001375418.1, NM_001375419.1 and 3 more transcripts); c.4912C>T, p.Leu1638Phe (NM_001375420.1, NM_001375421.1, NM_001375422.1 and 4 more transcripts); c.5122C>T, p.Leu1708Phe (NM_001330637.2, NM_003829.5); c.5221C>T, p.Leu1741Phe (NM_001375413.1); c.4714C>T, p.Leu1572Phe (NM_001375427.1); short protein forms L1675F, L1638F, L1572F, L1708F, L1741F.
Identifiers: ClinVar variation 2090916 (VCV002090916.4), dbSNP rs1325593917, ClinGen allele CA372944332.